The following is an entry in ClinVar:

NM_000091.5(COL4A3):c.4328C>T (p.Thr1443Met)

Genes: COL4A3 (collagen type IV alpha 3 chain; plus strand), MFF-DT (MFF divergent transcript; minus strand). Cytogenetic location: 2q36.3.
Variant type: single nucleotide variant.
Coding change: c.4328C>T on transcript NM_000091.5 (MANE Select); coding-DNA position 4328, C replaced by T.
Protein change: p.Thr1443Met; replaces threonine 1443 with methionine.
Molecular consequence: missense variant.
Genome position (GRCh38, 1-based): chr2:227,307,785, C>T. VCF-style: chr2-227307785-C-T. GRCh37 (hg19) VCF-style: chr2-228172501-C-T.
Other names: short protein forms T1443M.
Identifiers: ClinVar variation 4739699 (VCV004739699.1).
Genomic context (GRCh38, chr2:227,307,785, plus strand): 5'-ATGGATTGCCAGGTTTGAAAGGAAAACGTGGAGACAGTGGATCACCTGCAACCTGGACAA[C>T]GAGAGGCTTTGTCTTCACCCGACACAGTCAAACCACAGCAATTCCTTCATGTCCAGAGGG-3'
Protein context (NP_000082.2, residues 1433-1453): GDSGSPATWT[Thr1443Met]RGFVFTRHSQ

ClinVar aggregate classification (germline): Uncertain significance (1 of 4 stars; one submission).

gnomAD v4.1: 22 of 1,614,122 alleles (0.0014%); highest among the groups gnomAD compares: South Asian, 0.011%; no homozygotes.

Submission:

Labcorp Genetics (formerly Invitae), Labcorp
Classification: Uncertain significance. Last evaluated: 2026-02-01. Review status: criteria provided, single submitter. Criteria: Invitae Variant Classification Sherloc (09022015). Collection method: clinical testing. Allele origin: germline.
Comment: This sequence change replaces threonine, which is neutral and polar, with methionine, which is neutral and non-polar, at codon 1443 of the COL4A3 protein (p.Thr1443Met). This variant is present in population databases (rs568766226, gnomAD 0.01%). This variant has not been reported in the literature in individuals affected with COL4A3-related conditions. Invitae Evidence Modeling of protein sequence and biophysical properties (such as structural, functional, and spatial information, amino acid conservation, physicochemical variation, residue mobility, and thermodynamic stability) indicates that this missense variant is not expected to disrupt COL4A3 protein function with a negative predictive value of 95%. In summary, the available evidence is currently insufficient to determine the role of this variant in disease. Therefore, it has been classified as a Variant of Uncertain Significance.